The following is an entry in ClinVar:

ClinVar aggregate classification (germline): Uncertain significance. Review status: criteria provided, multiple submitters, no conflicts (2 of 4 stars). 2 submissions from 2 submitters: Uncertain significance (2). Last evaluated 2021-12-07.

Conditions:
Inborn genetic diseases. Identifiers: MedGen C0950123, MeSH D030342.
Glycogen storage disease IXb (GSD9B). Also called: GLYCOGENOSIS OF LIVER AND MUSCLE, AUTOSOMAL RECESSIVE; GSD IXb; PHOSPHORYLASE KINASE DEFICIENCY OF LIVER AND MUSCLE, AUTOSOMAL RECESSIVE. Identifiers: Orphanet 79240, MedGen C0543514, MONDO:0009868, OMIM 261750.

Allele frequency attached by ClinVar (database versions not stated): gnomAD exomes below 0.00001; TOPMed below 0.00001; ExAC 0.00001.
gnomAD v4.1: 5 of 1,614,118 alleles (0.00031%); highest among the groups gnomAD compares: East Asian, 0.0045%; no homozygotes.

Submissions (2):

Ambry Genetics
Classification: Uncertain significance for Inborn genetic diseases. Last evaluated: 2021-12-07. Review status: criteria provided, single submitter. Criteria: Ambry Variant Classification Scheme 2023. Collection method: clinical testing. Allele origin: germline.

Labcorp Genetics (formerly Invitae), Labcorp
Classification: Uncertain significance for Glycogen storage disease IXb. Last evaluated: 2021-08-27. Review status: criteria provided, single submitter. Criteria: Invitae Variant Classification Sherloc (09022015). Collection method: clinical testing. Allele origin: germline.
Comment: This sequence change replaces alanine with glycine at codon 96 of the PHKB protein (p.Ala96Gly). The alanine residue is moderately conserved and there is a small physicochemical difference between alanine and glycine. This variant is present in population databases (rs776773729, ExAC 0.01%). This variant has not been reported in the literature in individuals affected with PHKB-related conditions. Algorithms developed to predict the effect of missense changes on protein structure and function (SIFT, PolyPhen-2, Align-GVGD) all suggest that this variant is likely to be tolerated. In summary, the available evidence is currently insufficient to determine the role of this variant in disease. Therefore, it has been classified as a Variant of Uncertain Significance.

NM_000293.3(PHKB):c.287C>G (p.Ala96Gly)

Genes: PHKB (phosphorylase kinase regulatory subunit beta; plus strand), LOC112449713 (Sharpr-MPRA regulatory region 10524; plus strand). Cytogenetic location: 16q12.1.
Variant type: single nucleotide variant.
Coding change: c.287C>G on transcript NM_000293.3 (MANE Select); coding-DNA position 287, C replaced by G.
Protein change: p.Ala96Gly; replaces alanine 96 with glycine.
Molecular consequence: missense variant.
Genome position (GRCh38, 1-based): chr16:47,499,876, C>G. VCF-style: chr16-47499876-C-G. GRCh37 (hg19) VCF-style: chr16-47533787-C-G.
Other names: c.287C>G (NM_000293.2); c.266C>G, p.Ala89Gly (NM_001031835.3); c.287C>G, p.Ala96Gly (NM_001363837.1); short protein forms A89G, A96G.
Identifiers: ClinVar variation 1001419 (VCV001001419.6), dbSNP rs776773729, ClinGen allele CA8040417.